The following is an entry in ClinVar:

ClinVar aggregate classification (germline): Uncertain significance (1 of 4 stars; one submission).

Conditions:
Hereditary cancer-predisposing syndrome. Also called: Neoplastic Syndromes, Hereditary; Tumor predisposition; Hereditary neoplastic syndrome; Hereditary Cancer Syndrome. Identifiers: Orphanet 140162, MedGen C0027672, MeSH D009386, MONDO:0015356.

Submission:

Ambry Genetics
Classification: Uncertain significance for Hereditary cancer-predisposing syndrome. Last evaluated: 2026-07-07. Review status: criteria provided, single submitter. Criteria: Ambry Variant Classification Scheme 2023. Collection method: clinical testing. Allele origin: germline.
Comment: The p.D151Y variant (also known as c.451G>T), located in coding exon 4 of the PRKAR1A gene, results from a G to T substitution at nucleotide position 451. The aspartic acid at codon 151 is replaced by tyrosine, an amino acid with highly dissimilar properties. This amino acid position is conserved. In addition, this alteration is predicted to be deleterious by in silico analysis. Based on the available evidence, the clinical significance of this variant remains unclear.

NM_002734.5(PRKAR1A):c.451G>T (p.Asp151Tyr)

Gene: PRKAR1A (protein kinase cAMP-dependent type I regulatory subunit alpha; plus strand). Cytogenetic location: 17q24.2.
Variant type: single nucleotide variant.
Coding change: c.451G>T on transcript NM_002734.5 (MANE Select); coding-DNA position 451, G replaced by T.
Protein change: p.Asp151Tyr; replaces aspartic acid 151 with tyrosine.
Molecular consequence: missense variant.
Genome position (GRCh38, 1-based): chr17:68,524,026, G>T. VCF-style: chr17-68524026-G-T. GRCh37 (hg19) VCF-style: chr17-66520167-G-T.
Other names: c.451G>T, p.Asp151Tyr (NM_001276289.2, NM_001276290.1, NM_001278433.2 and 4 more transcripts); short protein forms D151Y.
Identifiers: ClinVar variation 5027336 (VCV005027336.1).
Genomic context (GRCh38, chr17:68,524,026, plus strand): 5'-TCACGGAAGAGACATGTGAAATGTAACACGAGGCCTTCTCTCTTTTGCAGTGATATTTTT[G>T]ATGCCATGTTTTCGGTCTCCTTTATCGCAGGAGAGACTGTGATTCAGCAAGGTAAGGGCC-3'
Protein context (NP_002725.1, residues 141-161): LDDNERSDIF[Asp151Tyr]AMFSVSFIAG